The following is an entry in ClinVar:

NM_023110.3(FGFR1):c.505C>T (p.Pro169Ser)

Gene: FGFR1 (fibroblast growth factor receptor 1; minus strand). Cytogenetic location: 8p11.23.
Variant type: single nucleotide variant.
Coding change: c.505C>T on transcript NM_023110.3 (MANE Select); coding-DNA position 505, C replaced by T.
Protein change: p.Pro169Ser; replaces proline 169 with serine.
Molecular consequence: missense variant.
Genome position (GRCh38, 1-based): chr8:38,428,037, G>A on the plus strand (C>T on the coding strand, the complement: FGFR1 is on the minus strand). VCF-style: chr8-38428037-G-A. GRCh37 (hg19) VCF-style: chr8-38285555-G-A.
Other names: c.499C>T, p.Pro167Ser (NM_001354367.2, NM_001354369.2, NM_001410922.1 and 2 more transcripts); c.232C>T, p.Pro78Ser (NM_001354368.2, NM_001354370.2, NM_023106.3); c.238C>T, p.Pro80Ser (NM_023105.3, NM_001174066.2); c.505C>T, p.Pro169Ser (NM_001174063.2); c.481C>T, p.Pro161Ser (NM_001174064.2); c.598C>T, p.Pro200Ser (NM_001174067.2); short protein forms P161S, P167S, P169S, P200S, P78S, P80S.
Identifiers: ClinVar variation 4538753 (VCV004538753.1).
Genomic context (GRCh38, chr8:38,428,037, plus strand): 5'-GCAGTGTGGGGTTTGGGGTCCCACTGGAAGGGCATTTGAACTTCACTGTCTTGGCAGCCG[G>A]CACTGCATGCAATTTCTTTTCCATCTTTTCTGGGGATGTCCAATATGGAGCTACGGCTGC-3'
Protein context (NP_075598.2, residues 159-179): EKMEKKLHAV[Pro169Ser]AAKTVKFKCP

ClinVar aggregate classification (germline): Uncertain significance (1 of 4 stars; one submission).

Submission:

GeneDx
Classification: Uncertain significance. Last evaluated: 2025-06-16. Review status: criteria provided, single submitter. Criteria: GeneDx Variant Classification Process June 2021. Collection method: clinical testing. Allele origin: germline. Affected: yes.
Comment: Not observed at significant frequency in large population cohorts (gnomAD); In silico analysis supports that this missense variant has a deleterious effect on protein structure/function; Has not been previously published as pathogenic or benign to our knowledge.